The following is an entry in ClinVar:

ClinVar aggregate classification (germline): Uncertain significance (1 of 4 stars; one submission).

gnomAD v4.1: 3 of 1,601,370 alleles (0.00019%); highest among the groups gnomAD compares: Non-Finnish European, 0.00026%; no homozygotes.

Submission:

Labcorp Genetics (formerly Invitae), Labcorp
Classification: Uncertain significance. Last evaluated: 2024-05-06. Review status: criteria provided, single submitter. Criteria: Invitae Variant Classification Sherloc (09022015). Collection method: clinical testing. Allele origin: germline.
Comment: This sequence change replaces arginine, which is basic and polar, with cysteine, which is neutral and slightly polar, at codon 249 of the GATAD2B protein (p.Arg249Cys). This variant is not present in population databases (gnomAD no frequency). This variant has not been reported in the literature in individuals affected with GATAD2B-related conditions. Advanced modeling of protein sequence and biophysical properties (such as structural, functional, and spatial information, amino acid conservation, physicochemical variation, residue mobility, and thermodynamic stability) performed at Invitae indicates that this missense variant is expected to disrupt GATAD2B protein function with a positive predictive value of 80%. In summary, the available evidence is currently insufficient to determine the role of this variant in disease. Therefore, it has been classified as a Variant of Uncertain Significance.

NM_020699.4(GATAD2B):c.745C>T (p.Arg249Cys)

Gene: GATAD2B (GATA zinc finger domain containing 2B; minus strand). Cytogenetic location: 1q21.3.
Variant type: single nucleotide variant.
Coding change: c.745C>T on transcript NM_020699.4 (MANE Select); coding-DNA position 745, C replaced by T.
Protein change: p.Arg249Cys; replaces arginine 249 with cysteine.
Molecular consequence: missense variant.
Genome position (GRCh38, 1-based): chr1:153,817,527, G>A on the plus strand (C>T on the coding strand, the complement: GATAD2B is on the minus strand). VCF-style: chr1-153817527-G-A. GRCh37 (hg19) VCF-style: chr1-153790003-G-A.
Other names: short protein forms R249C.
Identifiers: ClinVar variation 3652312 (VCV003652312.2).